The following is an entry in ClinVar:

NM_000130.5(F5):c.6122T>G (p.Ile2041Ser)

Gene: F5 (coagulation factor V; minus strand). Cytogenetic location: 1q24.2.
Variant type: single nucleotide variant.
Coding change: c.6122T>G on transcript NM_000130.5 (MANE Select); coding-DNA position 6122, T replaced by G.
Protein change: p.Ile2041Ser; replaces isoleucine 2041 with serine.
Molecular consequence: missense variant.
Genome position (GRCh38, 1-based): chr1:169,520,591, A>C on the plus strand (T>G on the coding strand, the complement: F5 is on the minus strand). VCF-style: chr1-169520591-A-C. GRCh37 (hg19) VCF-style: chr1-169489829-A-C.
Other names: short protein forms I2041S.
Identifiers: ClinVar variation 1684394 (VCV001684394.1), dbSNP rs1364834534, ClinGen allele CA343121591.

ClinVar aggregate classification (germline): Uncertain significance (0 of 4 stars; one submission).

Conditions:
Factor V deficiency. Also called: Reduced coagulation factor V activity. Identifiers: Orphanet 326, MedGen C4317320, MONDO:0020586, HP:0003225.

Submission:

ISTH-SSC Genomics in Thrombosis and Hemostasis, KU Leuven, Center for Molecular and Vascular Biology
Classification: Uncertain significance for Congenital factor V deficiency. Review status: no assertion criteria provided. Collection method: research. Allele origin: unknown. Affected: yes.
Comment: Submitted to GoldVariant by Dr Karyn Mégy from NIHR Bioresource - Cambridge University, UK